The following is an entry in ClinVar:

NM_005732.4(RAD50):c.2156T>G (p.Leu719Arg)

Gene: RAD50 (RAD50 double strand break repair protein; plus strand). Cytogenetic location: 5q31.1.
Variant type: single nucleotide variant.
Coding change: c.2156T>G on transcript NM_005732.4 (MANE Select); coding-DNA position 2156, T replaced by G.
Protein change: p.Leu719Arg; replaces leucine 719 with arginine.
Molecular consequence: missense variant.
Genome position (GRCh38, 1-based): chr5:132,595,759, T>G. VCF-style: chr5-132595759-T-G. GRCh37 (hg19) VCF-style: chr5-131931451-T-G.
Other names: c.2156T>G (NM_005732.3); short protein forms L719R.
Identifiers: ClinVar variation 2862995 (VCV002862995.4), dbSNP rs2479652240, ClinGen allele CA360950507.
Genomic context (GRCh38, chr5:132,595,759, plus strand): 5'-GTGATTTGCAGTCTAAACTGCGACTTGCTCCAGATAAACTCAAGTCAACAGAATCAGAGC[T>G]AAAAAAAAAGGAAAAGCGGCGTGATGAAATGCTGGGACTTGTGCCCATGAGGTAAGAATG-3'
Protein context (NP_005723.2, residues 709-729): PDKLKSTESE[Leu719Arg]KKKEKRRDEM

ClinVar aggregate classification (germline): Uncertain significance. Review status: criteria provided, multiple submitters, no conflicts (2 of 4 stars). 2 submissions from 2 submitters: Uncertain significance (2). Last evaluated 2026-06-08.

Conditions:
Hereditary cancer-predisposing syndrome. Also called: Hereditary neoplastic syndrome; Neoplastic Syndromes, Hereditary; Tumor predisposition; Hereditary Cancer Syndrome. Identifiers: Orphanet 140162, MedGen C0027672, MeSH D009386, MONDO:0015356.

Submissions (2):

Ambry Genetics
Classification: Uncertain significance for Hereditary cancer-predisposing syndrome. Last evaluated: 2026-06-08. Review status: criteria provided, single submitter. Criteria: Ambry Variant Classification Scheme 2023. Collection method: clinical testing. Allele origin: germline.
Comment: The p.L719R variant (also known as c.2156T>G), located in coding exon 13 of the RAD50 gene, results from a T to G substitution at nucleotide position 2156. The leucine at codon 719 is replaced by arginine, an amino acid with dissimilar properties. This amino acid position is conserved. In addition, the in silico prediction for this alteration is inconclusive. Based on the available evidence, the clinical significance of this variant remains unclear.

Labcorp Genetics (formerly Invitae), Labcorp
Classification: Uncertain significance for Hereditary cancer-predisposing syndrome. Last evaluated: 2023-05-11. Review status: criteria provided, single submitter. Criteria: Invitae Variant Classification Sherloc (09022015). Collection method: clinical testing. Allele origin: germline.
Comment: In summary, the available evidence is currently insufficient to determine the role of this variant in disease. Therefore, it has been classified as a Variant of Uncertain Significance. This variant is not present in population databases (gnomAD no frequency). This sequence change replaces leucine, which is neutral and non-polar, with arginine, which is basic and polar, at codon 719 of the RAD50 protein (p.Leu719Arg). Advanced modeling of protein sequence and biophysical properties (such as structural, functional, and spatial information, amino acid conservation, physicochemical variation, residue mobility, and thermodynamic stability) performed at Invitae indicates that this missense variant is expected to disrupt RAD50 protein function. This variant has not been reported in the literature in individuals affected with RAD50-related conditions.